The following is an entry in ClinVar:

NM_007294.4(BRCA1):c.1954A>G (p.Lys652Glu)

Gene: BRCA1 (BRCA1 DNA repair associated; minus strand). Cytogenetic location: 17q21.31.
Variant type: single nucleotide variant.
Coding change: c.1954A>G on transcript NM_007294.4 (MANE Select); coding-DNA position 1954, A replaced by G.
Protein change: p.Lys652Glu; replaces lysine 652 with glutamic acid.
Molecular consequence: missense variant. On other transcripts: intron variant (137).
Genome position (GRCh38, 1-based): chr17:43,093,577, T>C on the plus strand (A>G on the coding strand, the complement: BRCA1 is on the minus strand). VCF-style: chr17-43093577-T-C. GRCh37 (hg19) VCF-style: chr17-41245594-T-C.
Other names: c.1741A>G, p.Lys581Glu (NM_001407571.1, NM_001407853.1, NM_001407894.1 and 9 more transcripts); c.1954A>G, p.Lys652Glu (NM_001407581.1, NM_001407582.1, NM_001407583.1 and 30 more transcripts); c.1951A>G, p.Lys651Glu (NM_001407587.1, NM_001407590.1, NM_001407591.1 and 22 more transcripts); c.1945A>G, p.Lys649Glu (NM_001407646.1, NM_001407647.1); c.1831A>G, p.Lys611Glu (NM_001407648.1, NM_001407664.1, NM_001407665.1 and 19 more transcripts); c.1828A>G, p.Lys610Glu (NM_001407649.1, NM_001407670.1, NM_001407685.1 and 11 more transcripts); c.1873A>G, p.Lys625Glu (NM_001407662.1, NM_001407659.1, NM_001407660.1 and 1 more transcripts); c.1876A>G, p.Lys626Glu (NM_001407663.1, NM_001407653.1, NM_001407654.1 and 4 more transcripts); and 40 more; short protein forms K652E, K605E, K525E, K540E, K582E, K604E, K611E, K625E.
Identifiers: ClinVar variation 628623 (VCV000628623.18), dbSNP rs1567797589, ClinGen allele CA10598112.
Genomic context (GRCh38, chr17:43,093,577, plus strand): 5'-TACCTTCCATGAGTTGTAGGTTTCTGCTGTGCCTGACTGGCATTTGGTTGTACTTTTTTT[T>C]CTTTATCTCTTCACTGCTAGAACAACTATCAATTTGCAATTCAGTACAATTAGGTGGGCT-3'
Protein context (NP_009225.1, residues 642-662): DSCSSSEEIK[Lys652Glu]KKYNQMPVRH

ClinVar aggregate classification (germline): Conflicting classifications of pathogenicity. Review status: criteria provided, conflicting classifications (1 of 4 stars). 5 submissions from 5 submitters: Uncertain significance (3); Likely benign (1). 1 of the submissions does not count toward it. Last evaluated 2024-02-24.

Conditions:
Hereditary cancer-predisposing syndrome. Also called: Hereditary neoplastic syndrome; Tumor predisposition; Hereditary Cancer Syndrome; Neoplastic Syndromes, Hereditary. Identifiers: Orphanet 140162, MedGen C0027672, MeSH D009386, MONDO:0015356.
Hereditary breast ovarian cancer syndrome. Also called: Hereditary breast and ovarian cancer syndrome (HBOC); Hereditary breast and ovarian cancer; BRCA1- and BRCA2-Associated Hereditary Breast and Ovarian Cancer; Breast and ovarian cancer; Hereditary breast and ovarian cancer syndrome; Hereditary breast and/or ovarian cancer syndrome. Identifiers: Orphanet 145, MedGen C0677776, MeSH D061325, MONDO:0003582. Disease mechanism: loss of function.
Breast-ovarian cancer, familial, susceptibility to, 1 (BROVCA1). Also called: OVARIAN CANCER, SUSCEPTIBILITY TO; BRCA1 Hereditary Breast and Ovarian Cancer. Identifiers: Orphanet 145, MedGen C2676676, MONDO:0011450, OMIM 604370. Disease mechanism: loss of function.
Fanconi anemia, complementation group S (FANCS). Identifiers: MedGen C4554406, MONDO:0054748, OMIM 617883.
Pancreatic cancer, susceptibility to, 4. Identifiers: Orphanet 1333, MedGen C3280442, MONDO:0013685, OMIM 614320.

Allele frequency attached by ClinVar (database versions not stated): gnomAD exomes below 0.00001.
gnomAD v4.1: 1 of 1,614,078 alleles (0.000062%); highest among the groups gnomAD compares: Non-Finnish European, 0.000085%; no homozygotes.

Submissions (5):

Fulgent Genetics
Classification: Uncertain significance for Breast-ovarian cancer, familial, susceptibility to, 1; Pancreatic cancer, susceptibility to, 4; Fanconi anemia, complementation group S. Last evaluated: 2024-02-24. Review status: criteria provided, single submitter. Criteria: ACMG Guidelines, 2015. Collection method: clinical testing. Allele origin: germline.

University of Washington Department of Laboratory Medicine, University of Washington
Classification: Likely benign for Hereditary cancer-predisposing syndrome. Last evaluated: 2023-03-23. Review status: criteria provided, single submitter. Criteria: Dines et al. (Genet Med. 2020). Collection method: curation. Allele origin: germline.
Comment: Missense variant in a coldspot region where missense variants are very unlikely to be pathogenic (PMID:31911673).

BRCA1 coldspot (exon 11 using historical exon numbering). Reclassification based on statistical prior probability

Color Diagnostics, LLC DBA Color Health
Classification: Uncertain significance for Hereditary cancer-predisposing syndrome. Last evaluated: 2019-05-02. Review status: criteria provided, single submitter. Criteria: ACMG Guidelines, 2015. Collection method: clinical testing. Allele origin: germline.

Labcorp Genetics (formerly Invitae), Labcorp
Classification: Uncertain significance for Hereditary breast ovarian cancer syndrome. Last evaluated: 2019-04-18. Review status: criteria provided, single submitter. Criteria: Invitae Variant Classification Sherloc (09022015). Collection method: clinical testing. Allele origin: germline.
Comment: This sequence change replaces lysine with glutamic acid at codon 652 of the BRCA1 protein (p.Lys652Glu). The lysine residue is moderately conserved and there is a small physicochemical difference between lysine and glutamic acid. This variant is not present in population databases (ExAC no frequency). This variant has not been reported in the literature in individuals with BRCA1-related conditions. Algorithms developed to predict the effect of missense changes on protein structure and function output the following: SIFT: "Tolerated"; PolyPhen-2: "Benign"; Align-GVGD: "Class C0". The glutamic acid amino acid residue is found in multiple mammalian species, suggesting that this missense change does not adversely affect protein function. These predictions have not been confirmed by published functional studies and their clinical significance is uncertain. In summary, the available evidence is currently insufficient to determine the role of this variant in disease. Therefore, it has been classified as a Variant of Uncertain Significance.

Department of Pathology and Laboratory Medicine, Sinai Health System
Classification: Uncertain significance. Review status: no assertion criteria provided. Collection method: clinical testing. Allele origin: unknown. Affected: yes. Study: The Canadian Open Genetics Repository (COGR). Not counted in ClinVar's aggregate classification.